The following is an entry in ClinVar:

NM_000337.6(SGCD):c.506C>T (p.Ala169Val)

Gene: SGCD (sarcoglycan delta; plus strand). Cytogenetic location: 5q33.3.
Variant type: single nucleotide variant.
Coding change: c.506C>T on transcript NM_000337.6 (MANE Select); coding-DNA position 506, C replaced by T.
Protein change: p.Ala169Val; replaces alanine 169 with valine.
Molecular consequence: missense variant.
Genome position (GRCh38, 1-based): chr5:156,647,467, C>T. VCF-style: chr5-156647467-C-T. GRCh37 (hg19) VCF-style: chr5-156074477-C-T.
Other names: c.503C>T, p.Ala168Val (NM_001128209.2); c.506C>T, p.Ala169Val (NM_172244.3); c.506C>T (NM_000337.5); short protein forms A169V, A168V.
Identifiers: ClinVar variation 229249 (VCV000229249.8), dbSNP rs876658001, ClinGen allele CA10576655.

ClinVar aggregate classification (germline): Uncertain significance. Review status: criteria provided, multiple submitters, no conflicts (2 of 4 stars). 5 submissions from 4 submitters: Uncertain significance (5). Last evaluated 2024-06-19.

Conditions:
Autosomal recessive limb-girdle muscular dystrophy type 2F (LGMDR6). Also called: Muscular dystrophy limb-girdle with delta-sarcoglyan deficiency; MUSCULAR DYSTROPHY, LIMB-GIRDLE, AUTOSOMAL RECESSIVE 6. Identifiers: Orphanet 219, MedGen C1832525, MONDO:0011028, OMIM 601287. Disease mechanism: Affects gamma-sarcoglycan and also disrupts the integrity of the entire sarcoglycan complex..
Dilated cardiomyopathy 1L (CMD1L). Identifiers: Orphanet 154, MedGen C1847667, MONDO:0011702, OMIM 606685.

Allele frequency attached by ClinVar (database versions not stated): gnomAD exomes 0.00001.
gnomAD v4.1: 11 of 1,578,674 alleles (0.0007%); highest among the groups gnomAD compares: South Asian, 0.0023%; no homozygotes.

Submissions (5):

Revvity Omics, Revvity
Classification: Uncertain significance. Last evaluated: 2024-06-19. Review status: criteria provided, single submitter. Criteria: ACMG Guidelines, 2015. Collection method: clinical testing. Allele origin: germline.

Genome-Nilou Lab
Classification: Uncertain significance for Autosomal recessive limb-girdle muscular dystrophy type 2F. Last evaluated: 2023-02-08. Review status: criteria provided, single submitter. Criteria: ACMG Guidelines, 2015. Collection method: clinical testing. Allele origin: germline.

Genome-Nilou Lab
Classification: Uncertain significance for Dilated cardiomyopathy 1L. Last evaluated: 2023-02-08. Review status: criteria provided, single submitter. Criteria: ACMG Guidelines, 2015. Collection method: clinical testing. Allele origin: germline.

Labcorp Genetics (formerly Invitae), Labcorp
Classification: Uncertain significance for Autosomal recessive limb-girdle muscular dystrophy type 2F. Last evaluated: 2022-03-11. Review status: criteria provided, single submitter. Criteria: Invitae Variant Classification Sherloc (09022015). Collection method: clinical testing. Allele origin: germline.
Comment: This sequence change replaces alanine, which is neutral and non-polar, with valine, which is neutral and non-polar, at codon 169 of the SGCD protein (p.Ala169Val). The frequency data for this variant in the population databases is considered unreliable, as metrics indicate poor data quality at this position in the gnomAD database. This variant has not been reported in the literature in individuals affected with SGCD-related conditions. ClinVar contains an entry for this variant (Variation ID: 229249). Algorithms developed to predict the effect of missense changes on protein structure and function (SIFT, PolyPhen-2, Align-GVGD) all suggest that this variant is likely to be tolerated. In summary, the available evidence is currently insufficient to determine the role of this variant in disease. Therefore, it has been classified as a Variant of Uncertain Significance.

Laboratory for Molecular Medicine, Mass General Brigham Personalized Medicine
Classification: Uncertain significance. Last evaluated: 2015-06-24. Review status: criteria provided, single submitter. Criteria: LMM Criteria. Collection method: clinical testing. Allele origin: germline. Observed: 1 variant allele.
Comment: The p.Ala169Val variant in SGCD has not been previously reported in individuals with cardiomyopathy or in large population studies. Computational prediction too ls and conservation analysis do not provide strong support for or against an imp act to the protein. In summary, the clinical significance of the p.Ala169Val var iant is uncertain.